The following is an entry in ClinVar:

ClinVar aggregate classification (germline): Uncertain significance (1 of 4 stars; one submission).

Conditions:
Primary ciliary dyskinesia. Also called: Ciliary dyskinesia. Identifiers: Orphanet 244, MedGen C0008780, MONDO:0016575, HP:0012265.

Submission:

Labcorp Genetics (formerly Invitae), Labcorp
Classification: Uncertain significance for Primary ciliary dyskinesia. Last evaluated: 2021-08-30. Review status: criteria provided, single submitter. Criteria: Invitae Variant Classification Sherloc (09022015). Collection method: clinical testing. Allele origin: germline.
Comment: This sequence change replaces asparagine with serine at codon 381 of the CCDC40 protein (p.Asn381Ser). The asparagine residue is moderately conserved and there is a small physicochemical difference between asparagine and serine. This variant is not present in population databases (ExAC no frequency). This variant has not been reported in the literature in individuals with CCDC40-related disease. Algorithms developed to predict the effect of missense changes on protein structure and function output the following: SIFT: "Tolerated"; PolyPhen-2: "Benign"; Align-GVGD: "Class C0". The serine amino acid residue is found in multiple mammalian species, suggesting that this missense change does not adversely affect protein function. These predictions have not been confirmed by published functional studies and their clinical significance is uncertain. In summary, the available evidence is currently insufficient to determine the role of this variant in disease. Therefore, it has been classified as a Variant of Uncertain Significance.

NM_017950.4(CCDC40):c.1142A>G (p.Asn381Ser)

Gene: CCDC40 (coiled-coil domain 40 molecular ruler complex subunit; plus strand). Cytogenetic location: 17q25.3.
Variant type: single nucleotide variant.
Coding change: c.1142A>G on transcript NM_017950.4 (MANE Select); coding-DNA position 1142, A replaced by G.
Protein change: p.Asn381Ser; replaces asparagine 381 with serine.
Molecular consequence: missense variant.
Genome position (GRCh38, 1-based): chr17:80,050,266, A>G. VCF-style: chr17-80050266-A-G. GRCh37 (hg19) VCF-style: chr17-78024065-A-G.
Other names: c.1142A>G, p.Asn381Ser (NM_001243342.2, NM_001330508.2); short protein forms N381S.
Identifiers: ClinVar variation 650152 (VCV000650152.9), dbSNP rs1290134661, ClinGen allele CA401355929.
Genomic context (GRCh38, chr17:80,050,266, plus strand): 5'-AGAAGGAGGAGGAGCTGCAGGCCGCCCGCGCTCTCTACACCAAGACCTGCGCAGCCGCCA[A>G]CGAGGAGCGCAAAAAGTGTAAGGCAACCCGGCAGCCCCACACGCCATCCGGTCCTGGAGG-3'
Protein context (NP_060420.2, residues 371-391): ALYTKTCAAA[Asn381Ser]EERKKLAALQ